The following is an entry in ClinVar:

ClinVar aggregate classification (germline): Pathogenic (1 of 4 stars; one submission).

Submission:

Labcorp Genetics (formerly Invitae), Labcorp
Classification: Pathogenic. Last evaluated: 2024-09-16. Review status: criteria provided, single submitter. Criteria: Invitae Variant Classification Sherloc (09022015). Collection method: clinical testing. Allele origin: germline.
Comment: This sequence change creates a premature translational stop signal (p.Glu192*) in the DHODH gene. It is expected to result in an absent or disrupted protein product. Loss-of-function variants in DHODH are known to be pathogenic (PMID: 22692683, 22967083). This variant is not present in population databases (gnomAD no frequency). This variant has not been reported in the literature in individuals affected with DHODH-related conditions. For these reasons, this variant has been classified as Pathogenic.

Literature cited by the submitters: PubMed 22692683; PubMed 22967083.

NM_001361.5(DHODH):c.574G>T (p.Glu192Ter)

Gene: DHODH (dihydroorotate dehydrogenase (quinone); plus strand). Cytogenetic location: 16q22.2.
Variant type: single nucleotide variant.
Coding change: c.574G>T on transcript NM_001361.5 (MANE Select); coding-DNA position 574, G replaced by T.
Protein change: p.Glu192Ter; replaces glutamic acid 192 with a stop codon.
Molecular consequence: nonsense.
Genome position (GRCh38, 1-based): chr16:72,021,180, G>T. VCF-style: chr16-72021180-G-T. GRCh37 (hg19) VCF-style: chr16-72055079-G-T.
Other names: short protein forms E192*.
Identifiers: ClinVar variation 2831703 (VCV002831703.3), dbSNP rs2506981791, ClinGen allele CA396682894.
Genomic context (GRCh38, chr16:72,021,180, plus strand): 5'-GCAGATGGACTGCCTCTGGGGGTCAACTTGGGGAAGAACAAGACCTCAGTGGACGCCGCG[G>T]AGGACTACGCAGAAGGGGTGCGCGTACTGGGCCCCCTGGCCGACTACCTGGTGGTGAATG-3'